The following is an entry in ClinVar:

ClinVar aggregate classification (germline): Uncertain significance. Review status: criteria provided, multiple submitters, no conflicts (2 of 4 stars). 2 submissions from 2 submitters: Uncertain significance (2). Last evaluated 2025-08-06.

Conditions:
Glycogen storage disease, type V (GSD5). Also called: MCARDLE DISEASE; MUSCLE GLYCOGEN PHOSPHORYLASE DEFICIENCY; MYOPHOSPHORYLASE DEFICIENCY; PYGM DEFICIENCY; McArdle type glycogen storage disease. Identifiers: Orphanet 368, MedGen C0017924, MONDO:0009293, OMIM 232600.

Allele frequency attached by ClinVar (database versions not stated): gnomAD exomes 0.00001; TOPMed 0.00001; gnomAD 0.00003; ExAC 0.00005; ESP Exome Variant Server 0.00015.

Submissions (2):

GeneDx
Classification: Uncertain significance. Last evaluated: 2025-08-06. Review status: criteria provided, single submitter. Criteria: GeneDx Variant Classification Process June 2021. Collection method: clinical testing. Allele origin: germline. Affected: yes.
Comment: Not observed at significant frequency in large population cohorts (gnomAD); In silico analysis supports that this missense variant has a deleterious effect on protein structure/function; Has not been previously published as pathogenic or benign to our knowledge

Labcorp Genetics (formerly Invitae), Labcorp
Classification: Uncertain significance for Glycogen storage disease, type V. Last evaluated: 2023-12-07. Review status: criteria provided, single submitter. Criteria: Invitae Variant Classification Sherloc (09022015). Collection method: clinical testing. Allele origin: germline.
Comment: This sequence change replaces methionine, which is neutral and non-polar, with threonine, which is neutral and polar, at codon 120 of the PYGM protein (p.Met120Thr). This variant is present in population databases (rs374898083, gnomAD 0.006%). This variant has not been reported in the literature in individuals affected with PYGM-related conditions. ClinVar contains an entry for this variant (Variation ID: 2041015). Advanced modeling of protein sequence and biophysical properties (such as structural, functional, and spatial information, amino acid conservation, physicochemical variation, residue mobility, and thermodynamic stability) has been performed at Invitae for this missense variant, however the output from this modeling did not meet the statistical confidence thresholds required to predict the impact of this variant on PYGM protein function. In summary, the available evidence is currently insufficient to determine the role of this variant in disease. Therefore, it has been classified as a Variant of Uncertain Significance.

NM_005609.4(PYGM):c.359T>C (p.Met120Thr)

Gene: PYGM (glycogen phosphorylase, muscle associated; minus strand). Cytogenetic location: 11q13.1.
Variant type: single nucleotide variant.
Coding change: c.359T>C on transcript NM_005609.4 (MANE Select); coding-DNA position 359, T replaced by C.
Protein change: p.Met120Thr; replaces methionine 120 with threonine.
Molecular consequence: missense variant. On other transcripts: intron variant (1).
Genome position (GRCh38, 1-based): chr11:64,758,502, A>G on the plus strand (T>C on the coding strand, the complement: PYGM is on the minus strand). VCF-style: chr11-64758502-A-G. GRCh37 (hg19) VCF-style: chr11-64525974-A-G.
Other names: c.359T>C (NM_005609.2); c.244-236T>C (NM_001164716.1); short protein forms M120T.
Identifiers: ClinVar variation 2041015 (VCV002041015.3), dbSNP rs374898083, ClinGen allele CA6080274.
Genomic context (GRCh38, chr11:64,758,502, plus strand): 5'-AGCCGGCCCAGGCCCCCGTTGCCCAGCCCCGCATCCTCCTCAATTTCCTCCAGCTCCTCC[A>G]TGTCCAGGCCCAGCTGGAGGAGTGAGGGTGACAGTGGTCAGGGTCAAGTGTCAGCAGTGG-3'
Protein context (NP_005600.1, residues 110-130): DEATYQLGLD[Met120Thr]EELEEIEEDA